The following is an entry in ClinVar:

NM_001401501.2(MUC16):c.37611G>C (p.Arg12537=)

Gene: MUC16 (mucin 16, cell surface associated; minus strand). Cytogenetic location: 19p13.2.
Variant type: single nucleotide variant.
Coding change: c.37611G>C on transcript NM_001401501.2 (MANE Select); coding-DNA position 37611, G replaced by C.
Protein change: p.Arg12537=; no amino-acid change (arginine 12537 retained).
Molecular consequence: synonymous variant.
Genome position (GRCh38, 1-based): chr19:8,909,394, C>G on the plus strand (G>C on the coding strand, the complement: MUC16 is on the minus strand). VCF-style: chr19-8909394-C-G. GRCh37 (hg19) VCF-style: chr19-9020070-C-G.
Other names: c.38037G>C, p.Arg12679= (NM_001414686.1); c.37491G>C, p.Arg12497= (NM_001414687.1); c.37425G>C, p.Arg12475= (NM_024690.2).
Identifiers: ClinVar variation 3043746 (VCV003043746.2), dbSNP rs73920371, ClinGen allele CA9165177.

ClinVar aggregate classification (germline): Benign (0 of 4 stars; one submission).

Conditions:
MUC16-related disorder. Also called: MUC16-related condition.

Allele frequency attached by ClinVar (database versions not stated): ExAC 0.00364; ESP Exome Variant Server 0.01147; gnomAD 0.01193; 1000 Genomes Project 0.01418; 1000 Genomes Project 30x 0.01468.

Submission:

PreventionGenetics, part of Exact Sciences
Classification: Benign for MUC16-related condition. Last evaluated: 2019-04-16. Review status: no assertion criteria provided. Collection method: clinical testing. Allele origin: germline.
Comment: This variant is classified as benign based on ACMG/AMP sequence variant interpretation guidelines (Richards et al. 2015 PMID: 25741868, with internal and published modifications).